The following is an entry in ClinVar:

NM_001379500.1(COL18A1):c.2832_2838del (p.Gly945fs)

Genes: COL18A1 (collagen type XVIII alpha 1 chain; plus strand), SLC19A1 (solute carrier family 19 member 1; minus strand). Cytogenetic location: 21q22.3.
Variant type: Deletion.
Coding change: c.2832_2838del on transcript NM_001379500.1 (MANE Select); coding-DNA positions 2832 to 2838, 7 bases deleted (AGGCCCC; older notation c.2832_2838delAGGCCCC).
Protein change: p.Gly945fs; shifts the reading frame from glycine 945.
Molecular consequence: frameshift variant. On other transcripts: inframe deletion (2).
Genome position (GRCh38, 1-based): chr21:45,504,520-45,504,526, AGGCCCC deleted; deleting any 7 consecutive bases within chr21:45,504,516-45,504,526 gives the same sequence; the c. name uses the placement nearest the transcript's 3' end. VCF-style (leftmost placement, unchanged base first): chr21-45504515-CCCCCAGG-C. GRCh37 (hg19) VCF-style: chr21-46924429-CCCCCAGG-C.
Other names: c.3373_3378del, p.Gly1125_Pro1126del (NM_030582.4); c.4078_4083del, p.Gly1360_Pro1361del (NM_130444.3); short protein forms G945fs.
Identifiers: ClinVar variation 2863833 (VCV002863833.3), dbSNP rs2517783580, ClinGen allele CA2739267721.

ClinVar aggregate classification (germline): Pathogenic (1 of 4 stars; one submission).

Submission:

Labcorp Genetics (formerly Invitae), Labcorp
Classification: Pathogenic. Last evaluated: 2023-05-13. Review status: criteria provided, single submitter. Criteria: Invitae Variant Classification Sherloc (09022015). Collection method: clinical testing. Allele origin: germline.
Comment: This sequence change creates a premature translational stop signal (p.Gly945Glnfs*84) in the COL18A1 gene. It is expected to result in an absent or disrupted protein product. Loss-of-function variants in COL18A1 are known to be pathogenic (PMID: 12415512, 25456301). This variant is not present in population databases (gnomAD no frequency). This variant has not been reported in the literature in individuals affected with COL18A1-related conditions. For these reasons, this variant has been classified as Pathogenic.

Literature cited by the submitters: PubMed 12415512; PubMed 25456301.